The following is an entry in ClinVar:

ClinVar aggregate classification (germline): Benign/Likely benign. Review status: criteria provided, multiple submitters, no conflicts (2 of 4 stars). 8 submissions from 8 submitters: Benign (2); Likely benign (4). 2 of the submissions do not count toward it. Last evaluated 2026-02-01.

Conditions:
Cardiomyopathy (CMYO). Also called: Cardiomyopathies. Identifiers: Orphanet 167848, MedGen C0878544, MONDO:0004994, HP:0001638. Inheritance: Various modes of inheritance.
Hypertrophic cardiomyopathy 14. Identifiers: MedGen C2750467, MONDO:0013197, OMIM 613251.

Allele frequency attached by ClinVar (database versions not stated): gnomAD exomes 0.00016 and 0.00043; ExAC 0.00057; gnomAD 0.00179 and 0.00189; TOPMed 0.00194; ESP Exome Variant Server 0.00223; 1000 Genomes Project 30x 0.00234; 1000 Genomes Project 0.00240.
gnomAD v4.1: 513 of 1,612,362 alleles (0.032%); highest among the groups gnomAD compares: African/African-American, 0.6%; 2 homozygotes.

Submissions (8):

Labcorp Genetics (formerly Invitae), Labcorp
Classification: Benign for Hypertrophic cardiomyopathy 14. Last evaluated: 2026-02-01. Review status: criteria provided, single submitter. Criteria: Invitae Variant Classification Sherloc (09022015). Collection method: clinical testing. Allele origin: germline.

ARUP Laboratories, Molecular Genetics and Genomics, ARUP Laboratories
Classification: Likely benign. Last evaluated: 2021-02-04. Review status: criteria provided, single submitter. Criteria: ARUP Molecular Germline Variant Investigation Process 2021. Collection method: clinical testing. Allele origin: germline.

GeneDx
Classification: Likely benign. Last evaluated: 2020-12-08. Review status: criteria provided, single submitter. Criteria: GeneDx Variant Classification Process June 2021. Collection method: clinical testing. Allele origin: germline. Affected: yes.

CHEO Genetics Diagnostic Laboratory, Children's Hospital of Eastern Ontario
Classification: Likely benign for Cardiomyopathy. Last evaluated: 2016-06-30. Review status: criteria provided, single submitter. Criteria: ACMG Guidelines, 2015. Collection method: clinical testing. Allele origin: germline. Study: Canadian Open Genetics Repository.

Laboratory for Molecular Medicine, Mass General Brigham Personalized Medicine
Classification: Benign. Last evaluated: 2012-07-06. Review status: criteria provided, single submitter. Criteria: LMM Criteria. Collection method: clinical testing. Allele origin: germline. Observed: 9 variant alleles.
Comment: Ala1440Ala in Exon 30 of MYH6: This variant is not expected to have clinical sig nificance because it does not alter an amino acid residue, is not located within the splice consensus sequence and has been identified in 0.5% (18/3738) of Afri can American chromosomes from a broad population by the NHLBI Exome Sequencing P roject (dbSNP rs145566711).

Breakthrough Genomics
Classification: Likely benign. Review status: criteria provided, single submitter. Criteria: ACMG Guidelines, 2015. Collection method: not provided. Allele origin: germline. Inheritance: Autosomal dominant inheritance. Affected: yes.

Clinical Genetics DNA and cytogenetics Diagnostics Lab, Erasmus MC, Erasmus Medical Center
Classification: Likely benign. Review status: no assertion criteria provided. Collection method: clinical testing. Allele origin: germline. Affected: yes. Study: VKGL Data-share Consensus. Not counted in ClinVar's aggregate classification.

Clinical Genetics, Academic Medical Center
Classification: Benign. Review status: no assertion criteria provided. Collection method: clinical testing. Allele origin: germline. Affected: yes. Study: VKGL Data-share Consensus. Not counted in ClinVar's aggregate classification.

NM_002471.4(MYH6):c.4320T>A (p.Ala1440=)

Gene: MYH6 (myosin heavy chain 6; minus strand). Cytogenetic location: 14q11.2.
Variant type: single nucleotide variant.
Coding change: c.4320T>A on transcript NM_002471.4 (MANE Select); coding-DNA position 4320, T replaced by A.
Protein change: p.Ala1440=; no amino-acid change (alanine 1440 retained).
Molecular consequence: synonymous variant.
Genome position (GRCh38, 1-based): chr14:23,388,194, A>T on the plus strand (T>A on the coding strand, the complement: MYH6 is on the minus strand). VCF-style: chr14-23388194-A-T. GRCh37 (hg19) VCF-style: chr14-23857403-A-T.
Identifiers: ClinVar variation 44509 (VCV000044509.28), dbSNP rs145566711, ClinGen allele CA134397.
Genomic context (GRCh38, chr14:23,388,194, plus strand): 5'-CGGCCCCCGCCCATGGTCCACCTTGTCAAAGTTTCTCTGCTTCTTGTCCAGGGCTGCAGC[A>T]GCAGCATTGGAGCGCTCTACGTCCACCATCAAGTCCTCTATCTCATTCTGTAGCCGGTGC-3'
Protein context (NP_002462.2, residues 1430-1450): LMVDVERSNA[Ala1440=]AAALDKKQRN